The following is an entry in ClinVar:

NM_201253.3(CRB1):c.3415C>T (p.Gln1139Ter)

Gene: CRB1 (crumbs cell polarity complex component 1; plus strand). Cytogenetic location: 1q31.3.
Variant type: single nucleotide variant.
Coding change: c.3415C>T on transcript NM_201253.3 (MANE Select); coding-DNA position 3415, C replaced by T.
Protein change: p.Gln1139Ter; replaces glutamine 1139 with a stop codon.
Molecular consequence: nonsense. On other transcripts: non-coding transcript variant (2), intron variant (1).
Genome position (GRCh38, 1-based): chr1:197,435,278, C>T. VCF-style: chr1-197435278-C-T. GRCh37 (hg19) VCF-style: chr1-197404408-C-T.
Other names: c.3079C>T, p.Gln1027Ter (NM_001193640.2); c.3343C>T, p.Gln1115Ter (NM_001257965.2); c.2129-322C>T (NM_001257966.2); c.3415C>T (NM_201253.2); short protein forms Q1027*, Q1115*, Q1139*.
Identifiers: ClinVar variation 2680962 (VCV002680962.4), dbSNP rs2528202094, ClinGen allele CA344047676.
Genomic context (GRCh38, chr1:197,435,278, plus strand): 5'-AAACCTCAGGAAGAGCAATTTCTCAAAATCTCTACCAATTCAGTGGTCACTGGCTGTTTG[C>T]AGTTAAATGTCTGCAACTCCAACCCCTGTTTGCATGGAGGAAACTGTGAAGACATCTATA-3'

ClinVar aggregate classification (germline): Likely pathogenic. Review status: criteria provided, multiple submitters, no conflicts (2 of 4 stars). 3 submissions from 3 submitters: Likely pathogenic (3). Last evaluated 2025-04-17.

Conditions:
Leber congenital amaurosis (LCA). Also called: Leber's amaurosis. Identifiers: Orphanet 65, MedGen C0339527, MeSH D057130, MONDO:0018998.
Leber congenital amaurosis 8 (LCA8). Identifiers: Orphanet 65, MedGen C3151202, MONDO:0013453, OMIM 613835.
CRB1-related disorder. Also called: CRB1-related disorders; CRB1-related condition.

Submissions (3):

Natera, Inc.
Classification: Likely pathogenic for Leber congenital amaurosis. Last evaluated: 2025-04-17. Review status: criteria provided, single submitter. Criteria: Natera Variant Classification Schema (03/2026). Collection method: clinical testing. Allele origin: germline.
Comment: The c.3415C>T variant in CRB1 is a nonsense variant predicted to introduce a stop codon at amino acid 1139. This variant is expected to result in nonsense mediated decay, truncation, or a dysfunctional protein product. This variant is rare in the general population with a frequency below the threshold expected for the associated phenotype(s). Given the available evidence, this variant is classified as Likely Pathogenic.

Baylor Genetics
Classification: Likely pathogenic for Leber congenital amaurosis 8. Last evaluated: 2023-08-09. Review status: criteria provided, single submitter. Criteria: ACMG Guidelines, 2015. Collection method: clinical testing. Allele origin: unknown.

Blueprint Genetics
Classification: Likely pathogenic for CRB1-related disorders. Last evaluated: 2022-07-22. Review status: criteria provided, single submitter. Criteria: ACMG Guidelines, 2015. Collection method: clinical testing. Allele origin: germline. Affected: yes. Observed: 1 variant allele.